The following is an entry in ClinVar:

ClinVar aggregate classification (germline): Pathogenic. Review status: criteria provided, multiple submitters, no conflicts (2 of 4 stars). 2 submissions from 2 submitters: Pathogenic (2). Last evaluated 2025-04-07.

Conditions:
Capillary malformation-arteriovenous malformation syndrome. Also called: Capillary malformation-arteriovenous malformation. Identifiers: Orphanet 137667, MedGen C1842180, MONDO:0012016.
Cardiovascular phenotype. Identifiers: MedGen CN230736.

Submissions (2):

Ambry Genetics
Classification: Pathogenic for Cardiovascular phenotype. Last evaluated: 2025-04-07. Review status: criteria provided, single submitter. Criteria: Ambry Variant Classification Scheme 2023. Collection method: clinical testing. Allele origin: germline.
Comment: The c.1222C>T (p.Q408*) alteration, located in exon 8 (coding exon 8) of the RASA1 gene, consists of a C to T substitution at nucleotide position 1222. This changes the amino acid from a glutamine (Q) to a stop codon at amino acid position 408. This alteration is expected to result in loss of function by premature protein truncation or nonsense-mediated mRNA decay. This variant was not reported in population-based cohorts in the Genome Aggregation Database (gnomAD). Based on the available evidence, this alteration is classified as pathogenic.

Labcorp Genetics (formerly Invitae), Labcorp
Classification: Pathogenic for Capillary malformation-arteriovenous malformation syndrome. Last evaluated: 2020-03-07. Review status: criteria provided, single submitter. Criteria: Invitae Variant Classification Sherloc (09022015). Collection method: clinical testing. Allele origin: germline.
Comment: This variant has not been reported in the literature in individuals with RASA1-related conditions. For these reasons, this variant has been classified as Pathogenic. Loss-of-function variants in RASA1 are known to be pathogenic (PMID: 24038909). This variant is not present in population databases (ExAC no frequency). This sequence change creates a premature translational stop signal (p.Gln408*) in the RASA1 gene. It is expected to result in an absent or disrupted protein product.

Literature cited by the submitters: PubMed 24038909 (cited by Labcorp Genetics (formerly Invitae), Labcorp).

NM_002890.3(RASA1):c.1222C>T (p.Gln408Ter)

Genes: CCNH (cyclin H; minus strand), RASA1 (RAS p21 protein activator 1; plus strand). Cytogenetic location: 5q14.3.
Variant type: single nucleotide variant.
Coding change: c.1222C>T on transcript NM_002890.3 (MANE Select); coding-DNA position 1222, C replaced by T.
Protein change: p.Gln408Ter; replaces glutamine 408 with a stop codon.
Molecular consequence: nonsense. On other transcripts: intron variant (1).
Genome position (GRCh38, 1-based): chr5:87,349,333, C>T. VCF-style: chr5-87349333-C-T. GRCh37 (hg19) VCF-style: chr5-86645150-C-T.
Other names: c.691C>T, p.Gln231Ter (NM_022650.3); c.934-36538G>A (NM_001364075.2); short protein forms Q231*, Q408*.
Identifiers: ClinVar variation 853434 (VCV000853434.9), dbSNP rs1759093156, ClinGen allele CA360364072.